The following is an entry in ClinVar:

NM_003356.4(UCP3):c.615G>A (p.Glu205=)

Genes: UCP3 (uncoupling protein 3; minus strand), LOC126861261 (MED14-independent group 3 enhancer GRCh37_chr11:73715060-73716259; plus strand). Cytogenetic location: 11q13.4.
Variant type: single nucleotide variant.
Coding change: c.615G>A on transcript NM_003356.4 (MANE Select); coding-DNA position 615, G replaced by A.
Protein change: p.Glu205=; no amino-acid change (glutamic acid 205 retained).
Molecular consequence: synonymous variant.
Genome position (GRCh38, 1-based): chr11:74,004,512, C>T on the plus strand (G>A on the coding strand, the complement: UCP3 is on the minus strand). VCF-style: chr11-74004512-C-T. GRCh37 (hg19) VCF-style: chr11-73715557-C-T.
Other names: c.615G>A, p.Glu205= (NM_022803.3).
Identifiers: ClinVar variation 4986291 (VCV004986291.1).

ClinVar aggregate classification (germline): Likely benign (1 of 4 stars; one submission).

Conditions:
UCP3-related disorder. Also called: UCP3-related condition.

gnomAD v4.1: 3 of 1,614,160 alleles (0.00019%); highest among the groups gnomAD compares: African/African-American, 0.004%; no homozygotes.

Submission:

PreventionGenetics, part of Exact Sciences
Classification: Likely benign for UCP3-related condition. Last evaluated: 2026-08-11. Review status: criteria provided, single submitter. Criteria: ACMG Guidelines, 2015. Collection method: clinical testing. Allele origin: germline.
Comment: This variant is classified as likely benign based on ACMG/AMP sequence variant interpretation guidelines (Richards et al. 2015 PMID: 25741868, with internal and published modifications).